The following is an entry in ClinVar:

NM_182895.5(SCARF2):c.2173G>A (p.Gly725Arg)

Gene: SCARF2 (scavenger receptor class F member 2; minus strand). Cytogenetic location: 22q11.21.
Variant type: single nucleotide variant.
Coding change: c.2173G>A on transcript NM_182895.5 (MANE Select); coding-DNA position 2173, G replaced by A.
Protein change: p.Gly725Arg; replaces glycine 725 with arginine.
Molecular consequence: missense variant.
Genome position (GRCh38, 1-based): chr22:20,425,803, C>T on the plus strand (G>A on the coding strand, the complement: SCARF2 is on the minus strand). VCF-style: chr22-20425803-C-T. GRCh37 (hg19) VCF-style: chr22-20780090-C-T.
Other names: c.2188G>A, p.Gly730Arg (NM_153334.7); short protein forms G730R, G725R.
Identifiers: ClinVar variation 1475348 (VCV001475348.4), dbSNP rs755214686, ClinGen allele CA10112209.

ClinVar aggregate classification (germline): Uncertain significance. Review status: criteria provided, multiple submitters, no conflicts (2 of 4 stars). 2 submissions from 2 submitters: Uncertain significance (2). Last evaluated 2021-08-31.

Allele frequency attached by ClinVar (database versions not stated): gnomAD 0.00002; gnomAD exomes 0.00042; TOPMed 0.00007.
gnomAD v4.1: 67 of 1,511,718 alleles (0.0044%); highest among the groups gnomAD compares: Admixed American, 0.14%; no homozygotes.

Submissions (2):

Labcorp Genetics (formerly Invitae), Labcorp
Classification: Uncertain significance. Last evaluated: 2021-08-31. Review status: criteria provided, single submitter. Criteria: Invitae Variant Classification Sherloc (09022015). Collection method: clinical testing. Allele origin: germline.
Comment: This sequence change replaces glycine with arginine at codon 730 of the SCARF2 protein (p.Gly730Arg). The glycine residue is moderately conserved and there is a moderate physicochemical difference between glycine and arginine. The frequency data for this variant in the population databases is not available, as this variant may be reported as separate entries in the ExAC database. This variant has not been reported in the literature in individuals affected with SCARF2-related conditions. Experimental studies and prediction algorithms are not available or were not evaluated, and the functional significance of this variant is currently unknown. Algorithms developed to predict the effect of sequence changes on RNA splicing suggest that this variant may create or strengthen a splice site. In summary, the available evidence is currently insufficient to determine the role of this variant in disease. Therefore, it has been classified as a Variant of Uncertain Significance.

Breakthrough Genomics
Classification: Uncertain significance. Review status: criteria provided, single submitter. Criteria: ACMG Guidelines, 2015. Collection method: not provided. Allele origin: germline. Inheritance: Autosomal dominant inheritance. Affected: yes.